The following is an entry in ClinVar:

NM_001037165.2(FOXK1):c.930C>T (p.Tyr310=)

Gene: FOXK1 (forkhead box K1; plus strand). Cytogenetic location: 7p22.1.
Variant type: single nucleotide variant.
Coding change: c.930C>T on transcript NM_001037165.2 (MANE Select); coding-DNA position 930, C replaced by T.
Protein change: p.Tyr310=; no amino-acid change (tyrosine 310 retained).
Molecular consequence: synonymous variant.
Genome position (GRCh38, 1-based): chr7:4,755,263, C>T. VCF-style: chr7-4755263-C-T. GRCh37 (hg19) VCF-style: chr7-4794894-C-T.
Identifiers: ClinVar variation 2657257 (VCV002657257.24), dbSNP rs200771103, ClinGen allele CA4136570.

ClinVar aggregate classification (germline): Likely benign (1 of 4 stars; one submission).

Allele frequency attached by ClinVar (database versions not stated): TOPMed 0.00003; gnomAD exomes 0.00014; 1000 Genomes Project 30x 0.00016; 1000 Genomes Project 0.00020; ExAC 0.00027; gnomAD 0.00031.
gnomAD v4.1: 250 of 1,614,012 alleles (0.015%); highest among the groups gnomAD compares: African/African-American, 0.0053%; no homozygotes.

Submission:

CeGaT Center for Human Genetics Tuebingen
Classification: Likely benign. Last evaluated: 2022-10-01. Review status: criteria provided, single submitter. Criteria: CeGaT Center For Human Genetics Tuebingen Variant Classification Criteria Version 2. Collection method: clinical testing. Allele origin: germline. Affected: yes. Observed: 1 variant allele.
Comment: FOXK1: BP4, BP7